The following is an entry in ClinVar:

NM_003579.4(RAD54L):c.613C>T (p.Pro205Ser)

Gene: RAD54L (RAD54 like; plus strand). Cytogenetic location: 1p34.1.
Variant type: single nucleotide variant.
Coding change: c.613C>T on transcript NM_003579.4 (MANE Select); coding-DNA position 613, C replaced by T.
Protein change: p.Pro205Ser; replaces proline 205 with serine.
Molecular consequence: missense variant.
Genome position (GRCh38, 1-based): chr1:46,260,862, C>T. VCF-style: chr1-46260862-C-T. GRCh37 (hg19) VCF-style: chr1-46726534-C-T.
Other names: c.613C>T, p.Pro205Ser (NM_001142548.2); c.73C>T, p.Pro25Ser (NM_001370766.1); short protein forms P205S, P25S.
Identifiers: ClinVar variation 2625150 (VCV002625150.2), dbSNP rs1660095361, ClinGen allele CA340186633.

ClinVar aggregate classification (germline): Uncertain significance (1 of 4 stars; one submission).

Submission:

Ambry Genetics
Classification: Uncertain significance. Last evaluated: 2023-07-08. Review status: criteria provided, single submitter. Criteria: Ambry Variant Classification Scheme 2023. Collection method: clinical testing. Allele origin: germline.
Comment: The p.P205S variant (also known as c.613C>T), located in coding exon 7 of the RAD54L gene, results from a C to T substitution at nucleotide position 613. The proline at codon 205 is replaced by serine, an amino acid with similar properties. This amino acid position is conserved. In addition, the in silico prediction for this alteration is inconclusive. Since supporting evidence is limited at this time, the clinical significance of this alteration remains unclear.